The following is an entry in ClinVar:

NM_001270974.2(HYDIN):c.2859G>A (p.Gln953=)

Gene: HYDIN (HYDIN axonemal central pair apparatus protein; minus strand). Cytogenetic location: 16q22.2.
Variant type: single nucleotide variant.
Coding change: c.2859G>A on transcript NM_001270974.2 (MANE Select); coding-DNA position 2859, G replaced by A.
Protein change: p.Gln953=; no amino-acid change (glutamine 953 retained).
Molecular consequence: synonymous variant.
Genome position (GRCh38, 1-based): chr16:71,027,785, C>T on the plus strand (G>A on the coding strand, the complement: HYDIN is on the minus strand). VCF-style: chr16-71027785-C-T. GRCh37 (hg19) VCF-style: chr16-71061688-C-T.
Other names: c.2859G>A, p.Gln953= (NM_017558.5).
Identifiers: ClinVar variation 2646784 (VCV002646784.25), dbSNP rs201790967, ClinGen allele CA8150994.

ClinVar aggregate classification (germline): Benign/Likely benign. Review status: criteria provided, multiple submitters, no conflicts (2 of 4 stars). 2 submissions from 2 submitters: Benign (1); Likely benign (1). Last evaluated 2025-02-16.

Allele frequency attached by ClinVar (database versions not stated): 1000 Genomes Project 30x 0.00047; 1000 Genomes Project 0.00060; gnomAD 0.00067; gnomAD exomes 0.00128; ExAC 0.00230.
gnomAD v4.1: 1,363 of 1,126,328 alleles (0.12%); highest among the groups gnomAD compares: Middle Eastern, 0.26%; 4 homozygotes.

Submissions (2):

Laboratory of Genetics, Children's Clinical University Hospital Latvia
Classification: Benign. Last evaluated: 2025-02-16. Review status: criteria provided, single submitter. Criteria: ACMG Guidelines, 2015. Collection method: clinical testing. Allele origin: germline. Affected: yes.

CeGaT Center for Human Genetics Tuebingen
Classification: Likely benign. Last evaluated: 2022-03-01. Review status: criteria provided, single submitter. Criteria: CeGaT Center For Human Genetics Tuebingen Variant Classification Criteria Version 2. Collection method: clinical testing. Allele origin: germline. Affected: yes. Observed: 1 variant allele.
Comment: HYDIN: BP4, BP7